The following is an entry in ClinVar:

ClinVar aggregate classification (germline): Uncertain significance. Review status: reviewed by expert panel (3 of 4 stars). 2 submissions from 2 submitters: Uncertain significance (1). 1 of the submissions does not count toward it. Last evaluated 2025-01-15.

Conditions:
Hereditary thrombocytopenia and hematological cancer predisposition syndrome associated with RUNX1. Also called: Familial Platelet Disorder with Propensity to Acute Myelogenous Leukemia; Familial thrombocytopenia with propensity to acute myelogenous leukemia; PLATELET DISORDER, ASPIRIN-LIKE; RUNX1 Familial Platelet Disorder with Associated Myeloid Malignancies. Identifiers: Orphanet 71290, MedGen C1832388, MeSH C563324, MONDO:0100083, OMIM 601399.
Hereditary thrombocytopenia and hematologic cancer predisposition syndrome. Identifiers: Orphanet 71290, MedGen CN281654, MONDO:0011071.

Allele frequency attached by ClinVar (database versions not stated): gnomAD exomes below 0.00001.
gnomAD v4.1: 2 of 1,597,984 alleles (0.00013%); highest among the groups gnomAD compares: South Asian, 0.0022%; no homozygotes.

Submissions (2):

ClinGen Myeloid Malignancy Variant Curation Expert Panel
Classification: Uncertain significance for Hereditary thrombocytopenia and hematologic cancer predisposition syndrome. Last evaluated: 2025-01-15. Review status: reviewed by expert panel. Criteria: ClinGen MyeloMalig ACMG Specifications v2. Collection method: curation. Allele origin: germline. Inheritance: Autosomal dominant inheritance.
Comment: NM_001754.5(RUNX1):c.98-13C>T is an intronic variant which is completely absent from all population databases with at least 20x coverage for RUNX1 (PM2_Supporting). This variant has a SpliceAI score < 0.20 (0.0) (BP4). In summary, this variant meets criteria to be classified as VUS. ACMG/AMP criteria applied, as specified by the Myeloid Malignancy Variant Curation Expert Panel for RUNX1: PM2_Supporting, BP4

Labcorp Genetics (formerly Invitae), Labcorp
Classification: Likely benign for Hereditary thrombocytopenia and hematological cancer predisposition syndrome associated with RUNX1. Last evaluated: 2021-05-24. Review status: criteria provided, single submitter. Criteria: Invitae Variant Classification Sherloc (09022015). Collection method: clinical testing. Allele origin: germline. Not counted in ClinVar's aggregate classification.

NM_001754.5(RUNX1):c.98-13C>T

Gene: RUNX1 (RUNX family transcription factor 1; minus strand). Cytogenetic location: 21q22.12.
Variant type: single nucleotide variant.
Coding change: c.98-13C>T on transcript NM_001754.5 (MANE Select); 13 bases into the intron before coding-DNA position 98, C replaced by T.
Molecular consequence: intron variant. On other transcripts: missense variant (2).
Genome position (GRCh38, 1-based): chr21:34,887,109, G>A on the plus strand (C>T on the coding strand, the complement: RUNX1 is on the minus strand). VCF-style: chr21-34887109-G-A. GRCh37 (hg19) VCF-style: chr21-36259406-G-A.
Other names: c.4C>T, p.Arg2Cys (NM_001001890.3, NM_001122607.2); short protein forms R2C.
Identifiers: ClinVar variation 1635761 (VCV001635761.9), dbSNP rs1472759880, ClinGen allele CA410204352.